The following is an entry in ClinVar:

NM_001267727.2(ARSG):c.406G>T (p.Gly136Cys)

Gene: ARSG (arylsulfatase G; plus strand). Cytogenetic location: 17q24.2.
Variant type: single nucleotide variant.
Coding change: c.406G>T on transcript NM_001267727.2 (MANE Select); coding-DNA position 406, G replaced by T.
Protein change: p.Gly136Cys; replaces glycine 136 with cysteine.
Molecular consequence: missense variant.
Genome position (GRCh38, 1-based): chr17:68,343,791, G>T. VCF-style: chr17-68343791-G-T. GRCh37 (hg19) VCF-style: chr17-66339932-G-T.
Other names: c.406G>T, p.Gly136Cys (NM_001352899.2, NM_001352900.2, NM_001352901.2 and 9 more transcripts); short protein forms G136C.
Identifiers: ClinVar variation 3655909 (VCV003655909.2).

ClinVar aggregate classification (germline): Uncertain significance (1 of 4 stars; one submission).

gnomAD v4.1: 3 of 1,606,346 alleles (0.00019%); highest among the groups gnomAD compares: Non-Finnish European, 0.00026%; no homozygotes.

Submission:

Labcorp Genetics (formerly Invitae), Labcorp
Classification: Uncertain significance. Last evaluated: 2025-10-13. Review status: criteria provided, single submitter. Criteria: Invitae Variant Classification Sherloc (09022015). Collection method: clinical testing. Allele origin: germline.
Comment: This sequence change replaces glycine, which is neutral and non-polar, with cysteine, which is neutral and slightly polar, at codon 136 of the ARSG protein (p.Gly136Cys). This variant also falls at the last nucleotide of exon 3, which is part of the consensus splice site for this exon. This variant is not present in population databases (gnomAD no frequency). This variant has not been reported in the literature in individuals affected with ARSG-related conditions. ClinVar contains an entry for this variant (Variation ID: 3655909). An algorithm developed to predict the effect of missense changes on protein structure and function (PolyPhen-2) suggests that this variant is likely to be disruptive. Variants that disrupt the consensus splice site are a relatively common cause of aberrant splicing (PMID: 17576681, 9536098). Algorithms developed to predict the effect of sequence changes on RNA splicing suggest that this variant may disrupt the consensus splice site. In summary, the available evidence is currently insufficient to determine the role of this variant in disease. Therefore, it has been classified as a Variant of Uncertain Significance.

Literature cited by the submitters: PubMed 17576681; PubMed 9536098.